The following is an entry in ClinVar:

ClinVar aggregate classification (germline): Uncertain significance (1 of 4 stars; one submission).

Conditions:
Immunodeficiency, common variable, 10. Also called: IMMUNODEFICIENCY, COMMON VARIABLE, WITH CENTRAL ADRENAL INSUFFICIENCY; DEFICIT IN ANTERIOR PITUITARY FUNCTION AND VARIABLE IMMUNODEFICIENCY. Identifiers: MedGen C3809991, MONDO:0014260, OMIM 615577.

gnomAD v4.1: 1 of 1,613,460 alleles (0.000062%); highest among the groups gnomAD compares: Non-Finnish European, 0.000085%; no homozygotes.

Submission:

Labcorp Genetics (formerly Invitae), Labcorp
Classification: Uncertain significance for Immunodeficiency, common variable, 10. Last evaluated: 2025-01-30. Review status: criteria provided, single submitter. Criteria: Invitae Variant Classification Sherloc (09022015). Collection method: clinical testing. Allele origin: germline.
Comment: This sequence change replaces serine, which is neutral and polar, with phenylalanine, which is neutral and non-polar, at codon 22 of the NFKB2 protein (p.Ser22Phe). This variant is not present in population databases (gnomAD no frequency). This variant has not been reported in the literature in individuals affected with NFKB2-related conditions. An algorithm developed to predict the effect of missense changes on protein structure and function (PolyPhen-2) suggests that this variant is likely to be tolerated. In summary, the available evidence is currently insufficient to determine the role of this variant in disease. Therefore, it has been classified as a Variant of Uncertain Significance.

NM_001322934.2(NFKB2):c.65C>T (p.Ser22Phe)

Genes: NFKB2 (nuclear factor kappa B subunit 2; plus strand), LOC130004598 (ATAC-STARR-seq lymphoblastoid active region 3929; plus strand). Cytogenetic location: 10q24.32.
Variant type: single nucleotide variant.
Coding change: c.65C>T on transcript NM_001322934.2 (MANE Select); coding-DNA position 65, C replaced by T.
Protein change: p.Ser22Phe; replaces serine 22 with phenylalanine.
Molecular consequence: missense variant.
Genome position (GRCh38, 1-based): chr10:102,396,296, C>T. VCF-style: chr10-102396296-C-T. GRCh37 (hg19) VCF-style: chr10-104156053-C-T.
Other names: c.65C>T, p.Ser22Phe (NM_001077494.3, NM_001261403.3, NM_001288724.1 and 2 more transcripts); short protein forms S22F.
Identifiers: ClinVar variation 3729857 (VCV003729857.2).
Genomic context (GRCh38, chr10:102,396,296, plus strand): 5'-GTCTGTCTCCAAACCAGGGTCTGGATGGTATTATTGAATATGATGATTTCAAATTGAACT[C>T]CTCCATTGTGGAACCCAAGGAGCCAGCCCCAGAAACAGGTCAGCAAGTTCACTAACCTCC-3'
Protein context (NP_001309863.1, residues 12-32): IIEYDDFKLN[Ser22Phe]SIVEPKEPAP